The following is an entry in ClinVar:

ClinVar aggregate classification (germline): Uncertain significance. Review status: criteria provided, multiple submitters, no conflicts (2 of 4 stars). 2 submissions from 2 submitters: Uncertain significance (2). Last evaluated 2026-01-02.

Conditions:
Hereditary cancer-predisposing syndrome. Also called: Neoplastic Syndromes, Hereditary; Tumor predisposition; Hereditary neoplastic syndrome; Hereditary Cancer Syndrome. Identifiers: Orphanet 140162, MedGen C0027672, MeSH D009386, MONDO:0015356.

Submissions (2):

Ambry Genetics
Classification: Uncertain significance for Hereditary cancer-predisposing syndrome. Last evaluated: 2026-01-02. Review status: criteria provided, single submitter. Criteria: Ambry Variant Classification Scheme 2023. Collection method: clinical testing. Allele origin: germline.
Comment: The p.H238Y variant (also known as c.712C>T), located in coding exon 9 of the BRCA1 gene, results from a C to T substitution at nucleotide position 712. The histidine at codon 238 is replaced by tyrosine, an amino acid with similar properties. This amino acid position is not well conserved in available vertebrate species. In addition, the in silico prediction for this alteration is inconclusive. Based on the available evidence, the clinical significance of this variant remains unclear.

Color Diagnostics, LLC DBA Color Health
Classification: Uncertain significance for Hereditary cancer-predisposing syndrome. Last evaluated: 2024-08-27. Review status: criteria provided, single submitter. Criteria: ACMG Guidelines, 2015. Collection method: clinical testing. Allele origin: germline.
Comment: This missense variant replaces histidine with tyrosine at codon 238 of the BRCA1 protein. Computational prediction is inconclusive regarding the impact of this variant on protein structure and function. To our knowledge, functional studies have not been reported for this variant. This variant has not been reported in individuals affected with BRCA1-related disorders in the literature. This variant has not been identified in the general population by the Genome Aggregation Database (gnomAD). The available evidence is insufficient to determine the role of this variant in disease conclusively. Therefore, this variant is classified as a Variant of Uncertain Significance.

NM_007294.4(BRCA1):c.712C>T (p.His238Tyr)

Gene: BRCA1 (BRCA1 DNA repair associated; minus strand). Cytogenetic location: 17q21.31.
Variant type: single nucleotide variant.
Coding change: c.712C>T on transcript NM_007294.4 (MANE Select); coding-DNA position 712, C replaced by T.
Protein change: p.His238Tyr; replaces histidine 238 with tyrosine.
Molecular consequence: missense variant. On other transcripts: intron variant (13), 5 prime UTR variant (2).
Genome position (GRCh38, 1-based): chr17:43,094,819, G>A on the plus strand (C>T on the coding strand, the complement: BRCA1 is on the minus strand). VCF-style: chr17-43094819-G-A. GRCh37 (hg19) VCF-style: chr17-41246836-G-A.
Other names: c.712C>T, p.His238Tyr (NM_001407602.1, NM_001407603.1, NM_001407605.1 and 53 more transcripts); c.709C>T, p.His237Tyr (NM_001407610.1, NM_001407611.1, NM_001407612.1 and 38 more transcripts); c.703C>T, p.His235Tyr (NM_001407646.1, NM_001407647.1, NM_001408408.1); c.589C>T, p.His197Tyr (NM_001407648.1, NM_001407667.1, NM_001407668.1 and 34 more transcripts); c.586C>T, p.His196Tyr (NM_001407649.1, NM_001407670.1, NM_001407671.1 and 20 more transcripts); c.634C>T, p.His212Tyr (NM_001407653.1, NM_001407654.1, NM_001407655.1 and 9 more transcripts); c.568C>T, p.His190Tyr (NM_001407740.1, NM_001407741.1, NM_001407742.1 and 26 more transcripts); c.571C>T, p.His191Tyr (NM_001407850.1, NM_001407851.1, NM_001407852.1 and 43 more transcripts); and 20 more; short protein forms H110Y, H111Y, H126Y, H127Y, H149Y, H150Y, H167Y, H168Y.
Identifiers: ClinVar variation 3894076 (VCV003894076.2).